The following is an entry in ClinVar:

ClinVar aggregate classification (germline): Conflicting classifications of pathogenicity. Review status: criteria provided, conflicting classifications (1 of 4 stars). 3 submissions from 3 submitters: Uncertain significance (2); Likely benign (1). Last evaluated 2024-04-12.

Conditions:
Hereditary breast ovarian cancer syndrome. Also called: Hereditary breast and ovarian cancer syndrome (HBOC); Hereditary breast and ovarian cancer; BRCA1- and BRCA2-Associated Hereditary Breast and Ovarian Cancer; Breast and ovarian cancer; Hereditary breast and ovarian cancer syndrome; Hereditary breast and/or ovarian cancer syndrome. Identifiers: Orphanet 145, MedGen C0677776, MeSH D061325, MONDO:0003582. Disease mechanism: loss of function.
Breast-ovarian cancer, familial, susceptibility to, 1 (BROVCA1). Also called: OVARIAN CANCER, SUSCEPTIBILITY TO; BRCA1 Hereditary Breast and Ovarian Cancer. Identifiers: Orphanet 145, MedGen C2676676, MONDO:0011450, OMIM 604370. Disease mechanism: loss of function.
Hereditary cancer-predisposing syndrome. Also called: Hereditary neoplastic syndrome; Tumor predisposition; Hereditary Cancer Syndrome; Neoplastic Syndromes, Hereditary. Identifiers: Orphanet 140162, MedGen C0027672, MeSH D009386, MONDO:0015356.

Allele frequency attached by ClinVar (database versions not stated): gnomAD exomes below 0.00001; TOPMed below 0.00001.
gnomAD v4.1: 4 of 1,614,048 alleles (0.00025%); highest among the groups gnomAD compares: Non-Finnish European, 0.00017%; no homozygotes.

Submissions (4):

Lupski Lab, Baylor-Hopkins CMG, Baylor College of Medicine
Classification: Likely benign for Breast-ovarian cancer, familial, susceptibility to, 1. Last evaluated: 2024-04-12. Review status: criteria provided, single submitter. Criteria: Dawood et al. (medRxiv. 2024). Collection method: curation. Allele origin: germline.
Comment: Each variant was annotated with functional scores from MAVE data which was translated into functional evidence codes. All other evidence codes and combining criteria were adhered to as closely as possible based on the ClinGen VCEP (Variant Curation Expert Panel) gene-specific recommendations. See Supplemental Figure 34 of final paper (Supp Fig. 28 in preprint: doi:10.1101/2024.04.11.24305690) for a table to see which lines of evidence we did not have data for. The ClinGen VCEPs are highly regarded as the gold-standard for gene-specific variant curation and are developed after extensive evaluation of the evidence by clinical and scientific experts for the particular gene to classify genomic variants on a spectrum from pathogenic to benign using the 2015 ACMG/AMP Variant Interpretation Guidelines as a backbone (PMID: 25741868). Reclassification of these VUS variants from gnomAD or All of Us focused only on variants originally prescribed as VUS in ClinVar. To ensure reproducibility, transparency, and increased throughput, all the procedures for annotating variants and assigning evidence codes were codified using Python. All code has been made freely available and is linked in the Code Availability section and all reclassified variants with evidence codes used can be found in Tables S18-19 (preprint: doi:10.1101/2024.04.11.24305690). For the MAVE data, the clinical curation and clinical strength assignment as per the ClinGen recommendations in Brnich et al. (2020) (PMID: 31892348) for or against pathogenicity or benignity of each of these MAVE datasets utilized in this study were previously published in Fayer et al. (2021) (PMID: 34793697).In brief, for BRCA1 variants, if a variant was categorized as FUNC (functional), it was assigned BS3 evidence and no PS3 evidence, whereas if it was categorized as LOF (loss of function), the variant was assigned PS3 evidence and no BS3 evidence. Variants categorized as INT (intermediate) were left unannotated. For the BRCA1 combining criteria, greater than or equal to 1 criteria of strong benign evidence was enough to reclassify the VUS as Likely Benign. This variant GRCh38:17:43057057:T>C was assigned evidence codes ['BS3', 'BP4'] and an overall classification of Likely benign

Labcorp Genetics (formerly Invitae), Labcorp
Classification: Uncertain significance for Hereditary breast ovarian cancer syndrome. Last evaluated: 2021-08-26. Review status: criteria provided, single submitter. Criteria: Invitae Variant Classification Sherloc (09022015). Collection method: clinical testing. Allele origin: germline.
Comment: This sequence change replaces arginine with glycine at codon 1758 of the BRCA1 protein (p.Arg1758Gly). The arginine residue is weakly conserved and there is a moderate physicochemical difference between arginine and glycine. This variant is not present in population databases (ExAC no frequency). This missense change has been observed in individual(s) with breast cancer (PMID: 9544765). Algorithms developed to predict the effect of missense changes on protein structure and function output the following: SIFT: "Tolerated"; PolyPhen-2: "Possibly Damaging"; Align-GVGD: "Class C0". The glycine amino acid residue is found in multiple mammalian species, which suggests that this missense change does not adversely affect protein function. In summary, the available evidence is currently insufficient to determine the role of this variant in disease. Therefore, it has been classified as a Variant of Uncertain Significance.

Ambry Genetics
Classification: Uncertain significance for Hereditary cancer-predisposing syndrome. Last evaluated: 2019-11-01. Review status: criteria provided, single submitter. Criteria: Ambry Variant Classification Scheme 2023. Collection method: clinical testing. Allele origin: germline.
Comment: The p.R1758G variant (also known as c.5272A>G), located in coding exon 18 of the BRCA1 gene, results from an A to G substitution at nucleotide position 5272. The arginine at codon 1758 is replaced by glycine, an amino acid with dissimilar properties. One functional study found that this nucleotide substitution is benign in a high throughput genome editing haploid cell survival assay (Findlay GM et al. Nature, 2018 10;562:217-222). This variant, designated as 5391A>G, has been reported in 2 Caucasian women with early-onset breast cancer (Newman B et al. JAMA. 1998 Mar 25;279(12):915-21). This amino acid position is well conserved in available vertebrate species. In addition, the in silico prediction for this alteration is inconclusive. Since supporting evidence is limited at this time, the clinical significance of this alteration remains unclear.

Brotman Baty Institute, University of Washington
No classification provided (evidence only). Condition: Breast-ovarian cancer, familial 1. Review status: no classification provided. Collection method: in vitro. Allele origin: not applicable. Functional consequence: functionally_normal. Not counted in ClinVar's aggregate classification.
ClinVar note: "not provided" was previously submitted as the classification for the variant. However, the classification appeared to be based only on an observation of functional data so it was converted to no classification on 2025-07-30.

Literature cited by the submitters: PubMed 39142283 (cited by Lupski Lab, Baylor-Hopkins CMG, Baylor College of Medicine); PubMed 34793697 (cited by Lupski Lab, Baylor-Hopkins CMG, Baylor College of Medicine); DOI 10.1101/2024.04.11.24305690 (cited by Lupski Lab, Baylor-Hopkins CMG, Baylor College of Medicine); PubMed 9544765 (cited by Labcorp Genetics (formerly Invitae), Labcorp); PubMed 30209399 (cited by Ambry Genetics).

NM_007294.4(BRCA1):c.5272A>G (p.Arg1758Gly)

Gene: BRCA1 (BRCA1 DNA repair associated; minus strand). Cytogenetic location: 17q21.31.
Variant type: single nucleotide variant.
Coding change: c.5272A>G on transcript NM_007294.4 (MANE Select); coding-DNA position 5272, A replaced by G.
Protein change: p.Arg1758Gly; replaces arginine 1758 with glycine.
Molecular consequence: missense variant. On other transcripts: non-coding transcript variant (1).
Genome position (GRCh38, 1-based): chr17:43,057,057, T>C on the plus strand (A>G on the coding strand, the complement: BRCA1 is on the minus strand). VCF-style: chr17-43057057-T-C. GRCh37 (hg19) VCF-style: chr17-41209074-T-C.
Other names: c.5269A>G, p.Arg1757Gly (NM_001407619.1, NM_001407620.1, NM_001407621.1 and 17 more transcripts); c.5266A>G, p.Arg1756Gly (NM_001407627.1, NM_001407628.1, NM_001407629.1 and 14 more transcripts); c.5059A>G, p.Arg1687Gly (NM_001407571.1, NM_001407900.1, NM_001407902.1 and 12 more transcripts); c.5338A>G, p.Arg1780Gly (NM_001407581.1, NM_001407582.1); c.5335A>G, p.Arg1779Gly (NM_001407583.1, NM_001407585.1, NM_001407587.1 and 1 more transcripts); c.5332A>G, p.Arg1778Gly (NM_001407590.1, NM_001407591.1); c.5272A>G, p.Arg1758Gly (NM_001407593.1, NM_001407594.1, NM_001407596.1 and 7 more transcripts); c.5212A>G, p.Arg1738Gly (NM_001407649.1); and 72 more; short protein forms R1758G, R1711G, R1779G, R654G, R1630G, R1631G, R1646G, R1669G.
Identifiers: ClinVar variation 656220 (VCV000656220.14), dbSNP rs1597810455, ClinGen allele CA10591010.